The following is an entry in ClinVar:

ClinVar aggregate classification (germline): Uncertain significance (1 of 4 stars; one submission).

Submission:

Labcorp Genetics (formerly Invitae), Labcorp
Classification: Uncertain significance. Last evaluated: 2021-10-25. Review status: criteria provided, single submitter. Criteria: Invitae Variant Classification Sherloc (09022015). Collection method: clinical testing. Allele origin: germline.
Comment: In summary, the available evidence is currently insufficient to determine the role of this variant in disease. Therefore, it has been classified as a Variant of Uncertain Significance. Variants that disrupt the consensus splice site are a relatively common cause of aberrant splicing (PMID: 17576681, 9536098). Algorithms developed to predict the effect of sequence changes on RNA splicing suggest that this variant is not likely to affect RNA splicing. This variant has not been reported in the literature in individuals affected with KARS-related conditions. This variant is not present in population databases (ExAC no frequency). This sequence change falls in intron 12 of the KARS gene. It does not directly change the encoded amino acid sequence of the KARS protein. It affects a nucleotide within the consensus splice site.

Literature cited by the submitters: PubMed 17576681; PubMed 9536098.

NM_005548.3(KARS1):c.1424+6A>T

Genes: KARS1 (lysyl-tRNA synthetase 1; minus strand), LOC126862402 (CDK7 strongly-dependent group 2 enhancer GRCh37_chr16:75663368-75664567; plus strand). Cytogenetic location: 16q23.1.
Variant type: single nucleotide variant.
Coding change: c.1424+6A>T on transcript NM_005548.3 (MANE Select); 6 bases into the intron after coding-DNA position 1424, A replaced by T.
Molecular consequence: intron variant.
Genome position (GRCh38, 1-based): chr16:75,630,417, T>A on the plus strand (A>T on the coding strand, the complement: KARS1 is on the minus strand). VCF-style: chr16-75630417-T-A. GRCh37 (hg19) VCF-style: chr16-75664315-T-A.
Other names: c.1508+6A>T (NM_001130089.2); c.956+6A>T (NM_001378148.1).
Identifiers: ClinVar variation 1682414 (VCV001682414.6), dbSNP rs754439515, ClinGen allele CA284320458.